The following is an entry in ClinVar:

NM_000550.3(TYRP1):c.297T>A (p.Cys99Ter)

Gene: TYRP1 (tyrosinase related protein 1; plus strand). Cytogenetic location: 9p23.
Variant type: single nucleotide variant.
Coding change: c.297T>A on transcript NM_000550.3 (MANE Select); coding-DNA position 297, T replaced by A.
Protein change: p.Cys99Ter; replaces cysteine 99 with a stop codon.
Molecular consequence: nonsense.
Genome position (GRCh38, 1-based): chr9:12,694,293, T>A. VCF-style: chr9-12694293-T-A. GRCh37 (hg19) VCF-style: chr9-12694293-T-A.
Other names: short protein forms C99*.
Identifiers: ClinVar variation 3001864 (VCV003001864.3), dbSNP rs1396386114, ClinGen allele CA372936761.

ClinVar aggregate classification (germline): Pathogenic (1 of 4 stars; one submission).

Allele frequency attached by ClinVar (database versions not stated): gnomAD exomes 0.00002; TOPMed 0.00010; gnomAD 0.00013.
gnomAD v4.1: 30 of 1,613,860 alleles (0.0019%); highest among the groups gnomAD compares: Admixed American, 0.05%; no homozygotes.

Submission:

Labcorp Genetics (formerly Invitae), Labcorp
Classification: Pathogenic. Last evaluated: 2023-12-01. Review status: criteria provided, single submitter. Criteria: Invitae Variant Classification Sherloc (09022015). Collection method: clinical testing. Allele origin: germline.
Comment: This sequence change creates a premature translational stop signal (p.Cys99*) in the TYRP1 gene. It is expected to result in an absent or disrupted protein product. Loss-of-function variants in TYRP1 are known to be pathogenic (PMID: 8651291, 9345097). This variant is present in population databases (no rsID available, gnomAD 0.04%). This variant has not been reported in the literature in individuals affected with TYRP1-related conditions. For these reasons, this variant has been classified as Pathogenic.

Literature cited by the submitters: PubMed 8651291; PubMed 9345097.